The following is an entry in ClinVar:

ClinVar aggregate classification (germline): Likely pathogenic (1 of 4 stars; one submission).

Conditions:
Argininosuccinate lyase deficiency. Also called: Argininosuccinic aciduria; ARGININOSUCCINIC ACID LYASE DEFICIENCY; ASL DEFICIENCY. Identifiers: Orphanet 23, MedGen C0268547, MONDO:0008815, OMIM 207900, HP:0025630.

Allele frequency attached by ClinVar (database versions not stated): gnomAD 0.00001; gnomAD exomes 0.00001; TOPMed 0.00001.
gnomAD v4.1: 8 of 1,613,512 alleles (0.0005%); highest among the groups gnomAD compares: Admixed American, 0.0017%; no homozygotes.

Submission:

Labcorp Genetics (formerly Invitae), Labcorp
Classification: Likely pathogenic for Argininosuccinate lyase deficiency. Last evaluated: 2025-10-15. Review status: criteria provided, single submitter. Criteria: Invitae Variant Classification Sherloc (09022015). Collection method: clinical testing. Allele origin: germline.
Comment: This sequence change replaces arginine, which is basic and polar, with tryptophan, which is neutral and slightly polar, at codon 12 of the ASL protein (p.Arg12Trp). This variant is present in population databases (rs564735357, gnomAD 0.006%). This variant has not been reported in the literature in individuals affected with ASL-related conditions. ClinVar contains an entry for this variant (Variation ID: 1518921). Invitae Evidence Modeling of protein sequence and biophysical properties (such as structural, functional, and spatial information, amino acid conservation, physicochemical variation, residue mobility, and thermodynamic stability) indicates that this missense variant is expected to disrupt ASL protein function with a positive predictive value of 95%. This variant disrupts the p.Arg12 amino acid residue in ASL. Other variant(s) that disrupt this residue have been determined to be pathogenic (PMID: 11747432, 20236848, 24166829, 26661037). This suggests that this residue is clinically significant, and that variants that disrupt this residue are likely to be disease-causing. In summary, the currently available evidence indicates that the variant is pathogenic, but additional data are needed to prove that conclusively. Therefore, this variant has been classified as Likely Pathogenic.

Literature cited by the submitters: PubMed 11747432; PubMed 20236848; PubMed 24166829; PubMed 26661037.

NM_000048.4(ASL):c.34C>T (p.Arg12Trp)

Gene: ASL (argininosuccinate lyase; plus strand). Cytogenetic location: 7q11.21.
Variant type: single nucleotide variant.
Coding change: c.34C>T on transcript NM_000048.4 (MANE Select); coding-DNA position 34, C replaced by T.
Protein change: p.Arg12Trp; replaces arginine 12 with tryptophan.
Molecular consequence: missense variant.
Genome position (GRCh38, 1-based): chr7:66,081,824, C>T. VCF-style: chr7-66081824-C-T. GRCh37 (hg19) VCF-style: chr7-65546811-C-T.
Other names: c.34C>T, p.Arg12Trp (NM_001024943.2, NM_001024944.2, NM_001024946.2); short protein forms R12W.
Identifiers: ClinVar variation 1518921 (VCV001518921.8), dbSNP rs564735357, ClinGen allele CA159925570.
Genomic context (GRCh38, chr7:66,081,824, plus strand): 5'-GGTGGAGGAGAGACTAATTGTTCTTGCTCTCCTGGCCAGAGTGGGAAGCTTTGGGGTGGC[C>T]GGTTTGTGGGTGCAGTGGACCCCATCATGGAGAAGTTCAACGCGTCCATTGCCTACGACC-3'
Protein context (NP_000039.2, residues 2-22): ASESGKLWGG[Arg12Trp]FVGAVDPIME